The following is an entry in ClinVar:

ClinVar aggregate classification (germline): Uncertain significance (1 of 4 stars; one submission).

Allele frequency attached by ClinVar (database versions not stated): TOPMed below 0.00001; gnomAD exomes 0.00001.
gnomAD v4.1: 8 of 1,611,702 alleles (0.0005%); highest among the groups gnomAD compares: South Asian, 0.0088%; no homozygotes.

Submission:

GeneDx
Classification: Uncertain significance. Last evaluated: 2021-06-14. Review status: criteria provided, single submitter. Criteria: GeneDx Variant Classification Process June 2021. Collection method: clinical testing. Allele origin: germline. Affected: yes.
Comment: In silico analysis supports that this missense variant does not alter protein structure/function; Has not been previously published as pathogenic or benign to our knowledge

NM_003791.4(MBTPS1):c.2959G>A (p.Gly987Arg)

Gene: MBTPS1 (membrane bound transcription factor peptidase, site 1; minus strand). Cytogenetic location: 16q23.3.
Variant type: single nucleotide variant.
Coding change: c.2959G>A on transcript NM_003791.4 (MANE Select); coding-DNA position 2959, G replaced by A.
Protein change: p.Gly987Arg; replaces glycine 987 with arginine.
Molecular consequence: missense variant.
Genome position (GRCh38, 1-based): chr16:84,056,008, C>T on the plus strand (G>A on the coding strand, the complement: MBTPS1 is on the minus strand). VCF-style: chr16-84056008-C-T. GRCh37 (hg19) VCF-style: chr16-84089613-C-T.
Other names: short protein forms G987R.
Identifiers: ClinVar variation 1328912 (VCV001328912.2), dbSNP rs1458830366, ClinGen allele CA396924151.
Genomic context (GRCh38, chr16:84,056,008, plus strand): 5'-TCCTTTGAACAAAATACAGGATGACTGAGCACAATCACAAAGCAGCCGAGAACTCACCTC[C>T]AGGAATGTCCCAGGCGCCGCTCTCTCCAGGGGACAAGGGCCTCACTTGAGGGCGATTCGA-3'
Protein context (NP_003782.1, residues 977-997): PGESGAWDIP[Gly987Arg]GIMPGRYNQE